The following is an entry in ClinVar:

NM_003954.5(MAP3K14):c.133G>A (p.Val45Met)

Gene: MAP3K14 (mitogen-activated protein kinase kinase kinase 14; minus strand). Cytogenetic location: 17q21.31.
Variant type: single nucleotide variant.
Coding change: c.133G>A on transcript NM_003954.5 (MANE Select); coding-DNA position 133, G replaced by A.
Protein change: p.Val45Met; replaces valine 45 with methionine.
Molecular consequence: missense variant.
Genome position (GRCh38, 1-based): chr17:45,290,613, C>T on the plus strand (G>A on the coding strand, the complement: MAP3K14 is on the minus strand). VCF-style: chr17-45290613-C-T. GRCh37 (hg19) VCF-style: chr17-43367979-C-T.
Other names: c.133G>A (NM_003954.3); short protein forms V45M.
Identifiers: ClinVar variation 851987 (VCV000851987.8), dbSNP rs373437304, ClinGen allele CA8614447.
Genomic context (GRCh38, chr17:45,290,613, plus strand): 5'-CCTTGGTAATCACGTCATTCAGGATCTCCCACTTTCCGCAGAACACAGGGCTCTTCTCCA[C>T]GGCCTCAAGCTTGTAGACGGAGCTCTGTTTCTTCCCCAGTGGCGGCGTCTTCTCCTTGGC-3'
Protein context (NP_003945.2, residues 35-55): KQSSVYKLEA[Val45Met]EKSPVFCGKW

ClinVar aggregate classification (germline): Uncertain significance. Review status: criteria provided, multiple submitters, no conflicts (2 of 4 stars). 3 submissions from 3 submitters: Uncertain significance (3). Last evaluated 2024-11-21.

Conditions:
NIK deficiency. Also called: Primary immunodeficiency with multifaceted aberrant lymphoid immunity. Identifiers: Orphanet 447731, MedGen C5680065, MONDO:0018642.

Allele frequency attached by ClinVar (database versions not stated): gnomAD 0.00004; TOPMed 0.00005; ExAC 0.00008; ESP Exome Variant Server 0.00008; gnomAD exomes 0.00008.
gnomAD v4.1: 79 of 1,613,658 alleles (0.0049%); highest among the groups gnomAD compares: Middle Eastern, 0.049%; no homozygotes.

Submissions (3):

Blueprint Genetics
Classification: Uncertain significance. Last evaluated: 2024-11-21. Review status: criteria provided, single submitter. Criteria: ACMG Guidelines, 2015. Collection method: clinical testing. Allele origin: germline.

Ambry Genetics
Classification: Uncertain significance. Last evaluated: 2024-03-25. Review status: criteria provided, single submitter. Criteria: Ambry Variant Classification Scheme 2023. Collection method: clinical testing. Allele origin: germline.

Labcorp Genetics (formerly Invitae), Labcorp
Classification: Uncertain significance for NIK deficiency. Last evaluated: 2022-10-17. Review status: criteria provided, single submitter. Criteria: Invitae Variant Classification Sherloc (09022015). Collection method: clinical testing. Allele origin: germline.
Comment: This sequence change replaces valine, which is neutral and non-polar, with methionine, which is neutral and non-polar, at codon 45 of the MAP3K14 protein (p.Val45Met). The frequency data for this variant in the population databases is considered unreliable, as metrics indicate poor data quality at this position in the gnomAD database. This variant has not been reported in the literature in individuals affected with MAP3K14-related conditions. ClinVar contains an entry for this variant (Variation ID: 851987). Algorithms developed to predict the effect of missense changes on protein structure and function output the following: SIFT: "Not Available"; PolyPhen-2: "Not Available"; Align-GVGD: "Not Available". The methionine amino acid residue is found in multiple mammalian species, which suggests that this missense change does not adversely affect protein function. In summary, the available evidence is currently insufficient to determine the role of this variant in disease. Therefore, it has been classified as a Variant of Uncertain Significance.